The following is an entry in ClinVar:

ClinVar aggregate classification (germline): Uncertain significance (1 of 4 stars; one submission).

Submission:

GeneDx
Classification: Uncertain significance. Last evaluated: 2026-04-12. Review status: criteria provided, single submitter. Criteria: GeneDx Variant Classification Process June 2021. Collection method: clinical testing. Allele origin: germline.
Comment: Not observed at significant frequency in large population cohorts (gnomAD); In silico analysis supports that this missense variant has a deleterious effect on protein structure/function; Has not been previously published as pathogenic or benign to our knowledge

NM_001110556.2(FLNA):c.5882C>A (p.Ser1961Tyr)

Gene: FLNA (filamin A; minus strand). Cytogenetic location: Xq28.
Variant type: single nucleotide variant.
Coding change: c.5882C>A on transcript NM_001110556.2 (MANE Select); coding-DNA position 5882, C replaced by A.
Protein change: p.Ser1961Tyr; replaces serine 1961 with tyrosine.
Molecular consequence: missense variant.
Genome position (GRCh38, 1-based): chrX:154,353,436, G>T on the plus strand (C>A on the coding strand, the complement: FLNA is on the minus strand). VCF-style: chrX-154353436-G-T. GRCh37 (hg19) VCF-style: chrX-153581804-G-T.
Other names: c.5858C>A, p.Ser1953Tyr (NM_001456.4); short protein forms S1953Y, S1961Y.
Identifiers: ClinVar variation 5018237 (VCV005018237.1).